The following is an entry in ClinVar:

ClinVar aggregate classification (germline): Uncertain significance. Review status: criteria provided, multiple submitters, no conflicts (2 of 4 stars). 2 submissions from 2 submitters: Uncertain significance (2). Last evaluated 2023-07-17.

Allele frequency attached by ClinVar (database versions not stated): gnomAD 0.00001; TOPMed 0.00002; ExAC 0.00003.
gnomAD v4.1: 17 of 1,610,526 alleles (0.0011%); highest among the groups gnomAD compares: Admixed American, 0.022%; no homozygotes.

Submissions (2):

Labcorp Genetics (formerly Invitae), Labcorp
Classification: Uncertain significance. Last evaluated: 2023-07-17. Review status: criteria provided, single submitter. Criteria: Invitae Variant Classification Sherloc (09022015). Collection method: clinical testing. Allele origin: germline.
Comment: This sequence change replaces histidine, which is basic and polar, with tyrosine, which is neutral and polar, at codon 935 of the KIAA0556 protein (p.His935Tyr). In summary, the available evidence is currently insufficient to determine the role of this variant in disease. Therefore, it has been classified as a Variant of Uncertain Significance. Algorithms developed to predict the effect of sequence changes on RNA splicing suggest that this variant may create or strengthen a splice site. Algorithms developed to predict the effect of missense changes on protein structure and function output the following: SIFT: "Not Available"; PolyPhen-2: "Benign"; Align-GVGD: "Not Available". The tyrosine amino acid residue is found in multiple mammalian species, which suggests that this missense change does not adversely affect protein function. ClinVar contains an entry for this variant (Variation ID: 1987224). This variant has not been reported in the literature in individuals affected with KIAA0556-related conditions. This variant is present in population databases (rs772286159, gnomAD 0.02%).

GeneDx
Classification: Uncertain significance. Last evaluated: 2023-03-24. Review status: criteria provided, single submitter. Criteria: GeneDx Variant Classification Process June 2021. Collection method: clinical testing. Allele origin: germline. Affected: yes.
Comment: In silico analysis supports that this missense variant does not alter protein structure/function; Has not been previously published as pathogenic or benign to our knowledge; In silico analysis suggests this variant may impact gene splicing. In the absence of RNA/functional studies, the actual effect of this sequence change is unknown.

NM_015202.5(KATNIP):c.2803C>T (p.His935Tyr)

Gene: KATNIP (katanin interacting protein; plus strand). Cytogenetic location: 16p12.1.
Variant type: single nucleotide variant.
Coding change: c.2803C>T on transcript NM_015202.5 (MANE Select); coding-DNA position 2803, C replaced by T.
Protein change: p.His935Tyr; replaces histidine 935 with tyrosine.
Molecular consequence: missense variant.
Genome position (GRCh38, 1-based): chr16:27,749,763, C>T. VCF-style: chr16-27749763-C-T. GRCh37 (hg19) VCF-style: chr16-27761084-C-T.
Other names: c.2803C>T (NM_015202.3); short protein forms H935Y.
Identifiers: ClinVar variation 1987224 (VCV001987224.5), dbSNP rs772286159, ClinGen allele CA7978065.